The following is an entry in ClinVar:

ClinVar aggregate classification (germline): Uncertain significance (1 of 4 stars; one submission).

Submission:

GeneDx
Classification: Uncertain significance. Last evaluated: 2024-11-11. Review status: criteria provided, single submitter. Criteria: GeneDx Variant Classification Process June 2021. Collection method: clinical testing. Allele origin: germline. Affected: yes.
Comment: Not observed at significant frequency in large population cohorts (gnomAD); In silico analysis indicates that this variant does not alter splicing; Has not been previously published as pathogenic or benign to our knowledge

NM_004100.5(EYA4):c.1192-6T>C

Genes: EYA4 (EYA transcriptional coactivator and phosphatase 4; plus strand), TARID (TCF21 antisense RNA inducing promoter demethylation; minus strand), LOC126859796 (MED14-independent group 3 enhancer GRCh37_chr6:133826289-133827488; plus strand). Cytogenetic location: 6q23.2.
Variant type: single nucleotide variant.
Coding change: c.1192-6T>C on transcript NM_004100.5 (MANE Select); 6 bases into the intron before coding-DNA position 1192, T replaced by C.
Molecular consequence: intron variant. On other transcripts: non-coding transcript variant (1).
Genome position (GRCh38, 1-based): chr6:133,506,100, T>C. VCF-style: chr6-133506100-T-C. GRCh37 (hg19) VCF-style: chr6-133827238-T-C.
Other names: c.1210-6T>C (NM_001301013.2); c.1192-6T>C (NM_172105.4); c.1123-6T>C (NM_001370458.1, NM_172103.4); c.1048-6T>C (NM_001370459.1); c.1030-6T>C (NM_001301012.2).
Identifiers: ClinVar variation 3899191 (VCV003899191.1).